The following is an entry in ClinVar:

ClinVar aggregate classification (germline): Pathogenic/Likely pathogenic. Review status: criteria provided, multiple submitters, no conflicts (2 of 4 stars). 2 submissions from 2 submitters: Pathogenic (1); Likely pathogenic (1). Last evaluated 2026-08-06.

Conditions:
Autosomal recessive nonsyndromic hearing loss 3. Also called: NEUROSENSORY NONSYNDROMIC RECESSIVE DEAFNESS 3. Identifiers: Orphanet 90636, MedGen C1838263, MONDO:0010860, OMIM 600316.

Submissions (2):

OLLIN Analises Genomicas, OLLIN
Classification: Likely pathogenic for Autosomal recessive nonsyndromic hearing loss 3. Last evaluated: 2026-08-06. Review status: criteria provided, single submitter. Criteria: ACMG Guidelines 2015 PMID 25741868. Collection method: clinical testing. Allele origin: germline. Inheritance: Autosomal recessive inheritance.
Comment: This frameshift variant, located in exon 2 (of 66), has been reported in ClinVar (accession VCV002806718.3) and in gnomAD with an allele frequency of 0.000086%. However, to our knowledge, it has not been reported in the scientific literature. This variant causes a frameshift and introduces a premature stop codon, which is predicted to result in either a truncated protein or degradation of the mRNA via nonsense-mediated decay (NMD). According to the currently available evidence, this variant has been classified as likely pathogenic (PVS1, PM2_P).

Labcorp Genetics (formerly Invitae), Labcorp
Classification: Pathogenic. Last evaluated: 2023-12-20. Review status: criteria provided, single submitter. Criteria: Invitae Variant Classification Sherloc (09022015). Collection method: clinical testing. Allele origin: germline.
Comment: This sequence change creates a premature translational stop signal (p.Pro682Argfs*46) in the MYO15A gene. It is expected to result in an absent or disrupted protein product. Loss-of-function variants in MYO15A are known to be pathogenic (PMID: 17546645). This variant is not present in population databases (gnomAD no frequency). This variant has not been reported in the literature in individuals affected with MYO15A-related conditions. For these reasons, this variant has been classified as Pathogenic.

Literature cited by the submitters: PubMed 17546645 (cited by Labcorp Genetics (formerly Invitae), Labcorp).

NM_016239.4(MYO15A):c.2045del (p.Pro682fs)

Gene: MYO15A (myosin XVA; plus strand). Cytogenetic location: 17p11.2.
Variant type: Deletion.
Coding change: c.2045del on transcript NM_016239.4 (MANE Select); coding-DNA position 2045, one base deleted (C; older notation c.2045delC).
Protein change: p.Pro682fs; shifts the reading frame from proline 682.
Molecular consequence: frameshift variant.
Genome position (GRCh38, 1-based): chr17:18,120,845, C deleted; the last of 4 consecutive C bases (chr17:18,120,842-18,120,845); deleting any one gives the same sequence. VCF-style (leftmost placement, unchanged base first): chr17-18120841-TC-T. GRCh37 (hg19) VCF-style: chr17-18024155-TC-T.
Other names: short protein forms P682fs.
Identifiers: ClinVar variation 2806718 (VCV002806718.4), dbSNP rs2142251406, ClinGen allele CA2636436436.